The following is an entry in ClinVar:

ClinVar aggregate classification (germline): Uncertain significance. Review status: criteria provided, multiple submitters, no conflicts (2 of 4 stars). 15 submissions from 15 submitters: Uncertain significance (15). Last evaluated 2026-01-05.

Conditions:
Neurogenic scapuloperoneal syndrome, Kaeser type (SCPNK). Also called: KAESER SYNDROME. Identifiers: Orphanet 85146, MedGen C1867005, MONDO:0008407, OMIM 181400.
Desmin-related myofibrillar myopathy (MFM1). Also called: Desminopathy; Desmin related myopathy (former name); Desmin storage myopathy (former name); MYOFIBRILLAR MYOPATHY WITH ARRHYTHMOGENIC RIGHT VENTRICULAR CARDIOMYOPATHY; DESMIN-RELATED MYOPATHY WITH ARRHYTHMOGENIC RIGHT VENTRICULAR CARDIOMYOPATHY; Myofibrillar myopathy 1. Identifiers: Orphanet 363543, Orphanet 98909, MedGen C1832370, MONDO:0011076, OMIM 601419.
Dilated cardiomyopathy 1I (CMD1I). Identifiers: Orphanet 154, MedGen C1858154, MONDO:0011482, OMIM 604765.
Cardiovascular phenotype. Identifiers: MedGen CN230736.
Cardiomyopathy (CMYO). Also called: Cardiomyopathies. Identifiers: Orphanet 167848, MedGen C0878544, MONDO:0004994, HP:0001638. Inheritance: Various modes of inheritance.

Allele frequency attached by ClinVar (database versions not stated): gnomAD exomes 0.00005; TOPMed 0.00009; gnomAD 0.00011 and 0.00013; ExAC 0.00015; 1000 Genomes Project 30x 0.00031; 1000 Genomes Project 0.00040.
gnomAD v4.1: 195 of 1,574,354 alleles (0.012%); highest among the groups gnomAD compares: Non-Finnish European, 0.016%; 1 homozygote.

Submissions (15):

Labcorp Genetics (formerly Invitae), Labcorp
Classification: Uncertain significance for Desmin-related myofibrillar myopathy. Last evaluated: 2026-01-05. Review status: criteria provided, single submitter. Criteria: Invitae Variant Classification Sherloc (09022015). Collection method: clinical testing. Allele origin: germline.
Comment: This sequence change replaces leucine, which is neutral and non-polar, with histidine, which is basic and polar, at codon 136 of the DES protein (p.Leu136His). This variant is present in population databases (rs397516695, gnomAD 0.01%). This missense change has been observed in individual(s) with clinical features of DES-related conditions (PMID: 26265630, 28341588, 30755392, 32403337). ClinVar contains an entry for this variant (Variation ID: 44261). Invitae Evidence Modeling of protein sequence and biophysical properties (such as structural, functional, and spatial information, amino acid conservation, physicochemical variation, residue mobility, and thermodynamic stability) indicates that this missense variant is expected to disrupt DES protein function with a positive predictive value of 95%. Experimental studies have shown that this missense change does not substantially affect DES function (PMID: 36497166). In summary, the available evidence is currently insufficient to determine the role of this variant in disease. Therefore, it has been classified as a Variant of Uncertain Significance.

GeneDx
Classification: Uncertain significance. Last evaluated: 2025-10-25. Review status: criteria provided, single submitter. Criteria: GeneDx Variant Classification Process June 2021. Collection method: clinical testing. Allele origin: germline. Affected: yes.
Comment: Reported in association with cardiomyopathy, primary electrical disease, and neuromuscular disease (PMID: 26265630, 24503780, 32268277, 32403337, 28341588); In silico analysis supports that this missense variant has a deleterious effect on protein structure/function; This variant is associated with the following publications: (PMID: 37652022, 32268277, 28341588, 30564623, 24503780, 32403337, 33823640, 30755392, 26265630, 36497166, 26807690, 38892455, Batchou2025[abstract])

Molecular Diagnostic Laboratory for Inherited Cardiovascular Disease, Montreal Heart Institute
Classification: Uncertain significance for Cardiovascular phenotype. Last evaluated: 2025-04-09. Review status: criteria provided, single submitter. Criteria: ACMG Guidelines, 2015. Collection method: clinical testing. Allele origin: germline. Affected: yes.

CeGaT Center for Human Genetics Tuebingen
Classification: Uncertain significance. Last evaluated: 2024-08-01. Review status: criteria provided, single submitter. Criteria: CeGaT Center For Human Genetics Tuebingen Variant Classification Criteria Version 2. Collection method: clinical testing. Allele origin: germline. Affected: yes. Observed: 1 variant allele.
Comment: DES: PM5

Blueprint Genetics
Classification: Uncertain significance. Last evaluated: 2023-06-01. Review status: criteria provided, single submitter. Criteria: ACMG Guidelines, 2015. Collection method: clinical testing. Allele origin: germline.

Women's Health and Genetics/Laboratory Corporation of America, LabCorp
Classification: Uncertain significance. Last evaluated: 2023-03-08. Review status: criteria provided, single submitter. Criteria: LabCorp Variant Classification Summary - May 2015. Collection method: clinical testing. Allele origin: germline.
Comment: Variant summary: DES c.407T>A (p.Leu136His) results in a non-conservative amino acid change located in the Intermediate filament, rod domain (IPR039008) of the encoded protein sequence. Five of five in-silico tools predict a damaging effect of the variant on protein function. The variant allele was found at a frequency of 5.5e-05 in 181860 control chromosomes, predominantly at a frequency of 0.00013 within the Non-Finnish European subpopulation in the gnomAD database. The observed variant frequency within Non-Finnish European control individuals in the gnomAD database is approximately 4 fold of the estimated maximal expected allele frequency for a pathogenic variant in DES causing Dilated Cardiomyopathy phenotype (3.1e-05), strongly suggesting that the variant is a benign polymorphism found primarily in populations of Non-Finnish European origin. c.407T>A has been reported in the literature in individuals affected with Dilated Cardiomyopathy or Primary electrical disease (Pugh_2014, Wilson_2015, Proost_2017). These reports do not provide unequivocal conclusions about association of the variant with Dilated Cardiomyopathy. To our knowledge, no experimental evidence demonstrating an impact on protein function has been reported. Seven ClinVar submitters (evaluation after 2014) cite this variant as uncertain significance. Based on the evidence outlined above, the variant was classified as VUS-possibly benign.

Ambry Genetics
Classification: Uncertain significance for Cardiovascular phenotype. Last evaluated: 2022-11-18. Review status: criteria provided, single submitter. Criteria: Ambry Variant Classification Scheme 2023. Collection method: clinical testing. Allele origin: germline.

Fulgent Genetics
Classification: Uncertain significance for Neurogenic scapuloperoneal syndrome, Kaeser type; Desmin-related myofibrillar myopathy; Dilated cardiomyopathy 1I. Last evaluated: 2022-04-07. Review status: criteria provided, single submitter. Criteria: ACMG Guidelines, 2015. Collection method: clinical testing. Allele origin: unknown.

CHEO Genetics Diagnostic Laboratory, Children's Hospital of Eastern Ontario
Classification: Uncertain significance for Cardiomyopathy. Last evaluated: 2020-07-13. Review status: criteria provided, single submitter. Criteria: ACMG Guidelines, 2015. Collection method: clinical testing. Allele origin: germline.

Revvity Omics, Revvity
Classification: Uncertain significance. Last evaluated: 2019-11-01. Review status: criteria provided, single submitter. Criteria: ACMG Guidelines, 2015. Collection method: clinical testing. Allele origin: germline.

Center for Personalized Medicine, Children's Hospital Los Angeles
Classification: Uncertain significance. Last evaluated: 2018-11-19. Review status: criteria provided, single submitter. Criteria: ACMG Guidelines, 2015. Collection method: clinical testing. Allele origin: germline. Affected: yes.

Eurofins Ntd Llc (ga)
Classification: Uncertain significance. Last evaluated: 2017-08-11. Review status: criteria provided, single submitter. Criteria: EGL Classification Definitions 2015. Collection method: clinical testing. Allele origin: germline. Observed: 3 variant alleles, 3 heterozygotes.

Stanford Center for Inherited Cardiovascular Disease, Stanford University
Classification: Uncertain significance. Last evaluated: 2014-12-07. Review status: criteria provided, single submitter. Criteria: ACMG Guidelines, 2015. Collection method: provider interpretation. Allele origin: germline.

Laboratory for Molecular Medicine, Mass General Brigham Personalized Medicine
Classification: Uncertain significance. Last evaluated: 2013-07-18. Review status: criteria provided, single submitter. Criteria: LMM Criteria. Collection method: clinical testing. Allele origin: germline. Observed: 2 variant alleles.
Comment: Data from large population studies is insuff icient to assess the frequency of this variant. Leucine (Leu) at position 136 is conserved in mammals, but not in more evolutionarily distant species. However, other computational analyses (biochemical amino acid properties, AlignGVGD, Poly Phen2, and SIFT) suggest that this variant may impact the protein, though this i nformation is not predictive enough to determine pathogenicity. Additional infor mation is needed to fully assess the clinical significance of this variant.

Breakthrough Genomics
Classification: Uncertain significance. Review status: criteria provided, single submitter. Criteria: ACMG Guidelines, 2015. Collection method: not provided. Allele origin: germline. Inheritance: Autosomal recessive inheritance. Affected: yes.

Literature cited by the submitters: PubMed 26265630 (cited by 3 submitters); PubMed 28341588 (cited by 3 submitters); PubMed 30755392 (cited by Labcorp Genetics (formerly Invitae), Labcorp and Women's Health and Genetics/Laboratory Corporation of America, LabCorp); PubMed 32403337 (cited by Labcorp Genetics (formerly Invitae), Labcorp and Women's Health and Genetics/Laboratory Corporation of America, LabCorp); PubMed 36497166 (cited by Labcorp Genetics (formerly Invitae), Labcorp); PubMed 24503780 (cited by Women's Health and Genetics/Laboratory Corporation of America, LabCorp and Eurofins Ntd Llc (ga)); PubMed 26724190 (cited by Women's Health and Genetics/Laboratory Corporation of America, LabCorp).

NM_001927.4(DES):c.407T>A (p.Leu136His)

Gene: DES (desmin; plus strand). Cytogenetic location: 2q35.
Variant type: single nucleotide variant.
Coding change: c.407T>A on transcript NM_001927.4 (MANE Select); coding-DNA position 407, T replaced by A.
Protein change: p.Leu136His; replaces leucine 136 with histidine.
Molecular consequence: missense variant.
Genome position (GRCh38, 1-based): chr2:219,418,869, T>A. VCF-style: chr2-219418869-T-A. GRCh37 (hg19) VCF-style: chr2-220283591-T-A.
Other names: p.L136H:CTC>CAC; short protein forms L136H.
Identifiers: ClinVar variation 44261 (VCV000044261.55), dbSNP rs397516695, ClinGen allele CA133850.
Genomic context (GRCh38, chr2:219,418,869, plus strand): 5'-ATGACCGCTTCGCCAACTACATCGAGAAGGTGCGCTTCCTGGAGCAGCAGAACGCGGCGC[T>A]CGCCGCCGAAGTGAACCGGCTCAAGGGCCGCGAGCCGACGCGAGTGGCCGAGCTCTACGA-3'
Protein context (NP_001918.3, residues 126-146): VRFLEQQNAA[Leu136His]AAEVNRLKGR